The following is an entry in ClinVar:

NM_007294.4(BRCA1):c.421G>T (p.Glu141Ter)

Gene: BRCA1 (BRCA1 DNA repair associated; minus strand). Cytogenetic location: 17q21.31.
Variant type: single nucleotide variant.
Coding change: c.421G>T on transcript NM_007294.4 (MANE Select); coding-DNA position 421, G replaced by T.
Protein change: p.Glu141Ter; replaces glutamic acid 141 with a stop codon.
Molecular consequence: nonsense. On other transcripts: non-coding transcript variant (1).
Genome position (GRCh38, 1-based): chr17:43,104,142, C>A on the plus strand (G>T on the coding strand, the complement: BRCA1 is on the minus strand). VCF-style: chr17-43104142-C-A. GRCh37 (hg19) VCF-style: chr17-41256159-C-A.
Other names: c.280G>T, p.Glu94Ter (NM_001407924.1, NM_001407925.1, NM_001407926.1 and 99 more transcripts); c.421G>T, p.Glu141Ter (NM_001407937.1, NM_001407938.1, NM_001407939.1 and 165 more transcripts); c.211G>T, p.Glu71Ter (NM_001407955.1, NM_001407956.1, NM_001407957.1 and 58 more transcripts); c.40G>T, p.Glu14Ter (NM_001407959.1, NM_001407960.1, NM_001407962.1 and 4 more transcripts); c.412G>T, p.Glu138Ter (NM_001408408.1, NM_001407646.1, NM_001407647.1); c.343G>T, p.Glu115Ter (NM_001408409.1, NM_001408411.1, NM_001408412.1 and 21 more transcripts); c.289G>T, p.Glu97Ter (NM_001408451.1); short protein forms E138*, E14*, E97*, E115*, E141*, E71*, E94*.
Identifiers: ClinVar variation 2024556 (VCV002024556.4), dbSNP rs2154548776, ClinGen allele CA10601303.

ClinVar aggregate classification (germline): Pathogenic (1 of 4 stars; one submission).

Conditions:
Hereditary breast ovarian cancer syndrome. Also called: Breast and ovarian cancer; BRCA1- and BRCA2-Associated Hereditary Breast and Ovarian Cancer; Hereditary breast and ovarian cancer; Hereditary breast and ovarian cancer syndrome (HBOC); Hereditary breast and ovarian cancer syndrome; Hereditary breast and/or ovarian cancer syndrome. Identifiers: Orphanet 145, MedGen C0677776, MeSH D061325, MONDO:0003582. Disease mechanism: loss of function.

Submission:

Labcorp Genetics (formerly Invitae), Labcorp
Classification: Pathogenic for Hereditary breast ovarian cancer syndrome. Last evaluated: 2022-08-18. Review status: criteria provided, single submitter. Criteria: Invitae Variant Classification Sherloc (09022015). Collection method: clinical testing. Allele origin: germline.
Comment: This sequence change creates a premature translational stop signal (p.Glu141*) in the BRCA1 gene. It is expected to result in an absent or disrupted protein product. Loss-of-function variants in BRCA1 are known to be pathogenic (PMID: 20104584). This variant is not present in population databases (gnomAD no frequency). This variant has not been reported in the literature in individuals affected with BRCA1-related conditions. For these reasons, this variant has been classified as Pathogenic.

Literature cited by the submitters: PubMed 20104584.